The following is an entry in ClinVar:

ClinVar aggregate classification (germline): Uncertain significance. Review status: criteria provided, multiple submitters, no conflicts (2 of 4 stars). 2 submissions from 2 submitters: Uncertain significance (2). Last evaluated 2025-04-11.

Conditions:
Focal segmental glomerulosclerosis 5 (FSGS5). Identifiers: Orphanet 656, MedGen C2750475, MONDO:0013191, OMIM 613237.
Charcot-Marie-Tooth disease dominant intermediate E. Also called: CHARCOT-MARIE-TOOTH NEUROPATHY WITH FOCAL SEGMENTAL GLOMERULONEPHRITIS. Identifiers: Orphanet 93114, MedGen C4302667, MONDO:0013758, OMIM 614455.

Submissions (2):

Labcorp Genetics (formerly Invitae), Labcorp
Classification: Uncertain significance for Charcot-Marie-Tooth disease dominant intermediate E; Focal segmental glomerulosclerosis 5. Last evaluated: 2025-04-11. Review status: criteria provided, single submitter. Criteria: Invitae Variant Classification Sherloc (09022015). Collection method: clinical testing. Allele origin: germline.
Comment: This variant, c.3715_3717del, results in the deletion of 1 amino acid(s) of the INF2 protein (p.Asp1239del), but otherwise preserves the integrity of the reading frame. This variant is not present in population databases (gnomAD no frequency). This variant has not been reported in the literature in individuals affected with INF2-related conditions. Experimental studies and prediction algorithms are not available or were not evaluated, and the functional significance of this variant is currently unknown. In summary, the available evidence is currently insufficient to determine the role of this variant in disease. Therefore, it has been classified as a Variant of Uncertain Significance.

Mendelics
Classification: Uncertain significance. Last evaluated: 2022-05-04. Review status: criteria provided, single submitter. Criteria: Mendelics Assertion Criteria 2019. Collection method: clinical testing. Allele origin: germline.

NM_022489.4(INF2):c.3712GAT[1] (p.Asp1239del)

Gene: INF2 (inverted formin 2; plus strand). Cytogenetic location: 14q32.33.
Variant type: Microsatellite.
Coding change: c.3712GAT[1] on transcript NM_022489.4 (MANE Select); one copy of the 3-base unit GAT starting at c.3712; the reference has two copies in a row; one copy, 3 bases deleted.
Protein change: p.Asp1239del; deletes aspartic acid 1239.
Molecular consequence: inframe deletion. On other transcripts: intron variant (1).
Genome position (GRCh38, 1-based): chr14:104,715,304-104,715,306, GAT deleted; deleting any 3 consecutive bases within chr14:104,715,300-104,715,306 gives the same sequence; the position shown is the placement nearest the transcript's 3' end. VCF-style (leftmost placement, unchanged base first): chr14-104715299-CTGA-C. GRCh37 (hg19) VCF-style: chr14-105181636-CTGA-C.
Other names: c.3694+448_3694+450del (NM_001031714.4); short protein forms D1239del.
Identifiers: ClinVar variation 1042067 (VCV001042067.7), dbSNP rs1236644699, ClinGen allele CA703410020.